The following is an entry in ClinVar:

ClinVar aggregate classification (germline): Conflicting classifications of pathogenicity. Review status: criteria provided, conflicting classifications (1 of 4 stars). 2 submissions from 2 submitters: Uncertain significance (1); Likely benign (1). Last evaluated 2025-07-07.

Conditions:
TTN-related disorder. Also called: TTN-related disorders; TTN-related condition; TTN-related disease.
Cardiomyopathy (CMYO). Also called: Cardiomyopathies. Identifiers: Orphanet 167848, MedGen C0878544, MONDO:0004994, HP:0001638. Inheritance: Various modes of inheritance.

Allele frequency attached by ClinVar (database versions not stated): ExAC 0.00001; gnomAD 0.00002; TOPMed 0.00002.
gnomAD v4.1: 15 of 1,613,502 alleles (0.00093%); highest among the groups gnomAD compares: Middle Eastern, 0.016%; no homozygotes.

Submissions (2):

PreventionGenetics, part of Exact Sciences
Classification: Uncertain significance for TTN-related condition. Last evaluated: 2025-07-07. Review status: criteria provided, single submitter. Criteria: ACMG Guidelines, 2015. Collection method: clinical testing. Allele origin: germline.
Comment: The TTN c.27584G>C variant is predicted to result in the amino acid substitution p.Cys9195Ser. To our knowledge, this variant has not been reported in the literature. This variant is reported in 0.0083% of alleles in individuals of African descent in gnomAD. At this time, the clinical significance of this variant is uncertain due to the absence of conclusive functional and genetic evidence.

CHEO Genetics Diagnostic Laboratory, Children's Hospital of Eastern Ontario
Classification: Likely benign for Cardiomyopathy. Last evaluated: 2022-07-06. Review status: criteria provided, single submitter. Criteria: ACMG Guidelines, 2015. Collection method: clinical testing. Allele origin: germline.

NM_001267550.2(TTN):c.27584G>C (p.Cys9195Ser)

Gene: TTN (titin; minus strand). Cytogenetic location: 2q31.2.
Variant type: single nucleotide variant.
Coding change: c.27584G>C on transcript NM_001267550.2 (MANE Select); coding-DNA position 27584, G replaced by C.
Protein change: p.Cys9195Ser; replaces cysteine 9195 with serine.
Molecular consequence: missense variant. On other transcripts: intron variant (3).
Genome position (GRCh38, 1-based): chr2:178,712,338, C>G on the plus strand (G>C on the coding strand, the complement: TTN is on the minus strand). VCF-style: chr2-178712338-C-G. GRCh37 (hg19) VCF-style: chr2-179577065-C-G.
Other names: c.26633G>C, p.Cys8878Ser (NM_001256850.1); c.23852G>C, p.Cys7951Ser (NM_133378.4); c.13282+25744G>C (NM_003319.4); c.13858+25744G>C (NM_133437.4); c.13657+25744G>C (NM_133432.3); short protein forms C7951S, C8878S, C9195S.
Identifiers: ClinVar variation 2691065 (VCV002691065.2), dbSNP rs750638085, ClinGen allele CA1999780.